The following is an entry in ClinVar:

ClinVar aggregate classification (germline): Likely pathogenic (1 of 4 stars; one submission).

Conditions:
Hereditary spastic paraplegia 4. Also called: Spastic paraplegia 4, autosomal dominant; Familial spastic paraplegia autosomal dominant 2; Spastic Paraplegia 4. Identifiers: Orphanet 100985, MedGen C1866855, MONDO:0008438, OMIM 182601.

Submission:

Juno Genomics, Hangzhou Juno Genomics, Inc
Classification: Likely pathogenic for Hereditary spastic paraplegia 4. Review status: criteria provided, single submitter. Criteria: ACMG Guidelines, 2015. Collection method: clinical testing. Allele origin: germline.
Comment: Absent from controls (or at extremely low frequency if recessive) in Genome Aggregation Database.;Null variant in a gene where loss of function (LOF) is a known mechanism of disease.

NM_014946.4(SPAST):c.1142_1143del (p.Phe381fs)

Gene: SPAST (spastin; plus strand). Cytogenetic location: 2p22.3.
Variant type: Deletion.
Coding change: c.1142_1143del on transcript NM_014946.4 (MANE Select); coding-DNA positions 1142 to 1143, 2 bases deleted (TT; older notation c.1142_1143delTT).
Protein change: p.Phe381fs; shifts the reading frame from phenylalanine 381.
Molecular consequence: frameshift variant.
Genome position (GRCh38, 1-based): chr2:32,126,991-32,126,992, TT deleted; deleting any 2 consecutive bases within chr2:32,126,990-32,126,992 gives the same sequence; the c. name uses the placement nearest the transcript's 3' end. VCF-style (leftmost placement, unchanged base first): chr2-32126989-CTT-C. GRCh37 (hg19) VCF-style: chr2-32352058-CTT-C.
Other names: c.1139_1140del, p.Phe380fs (NM_001363823.2); c.1043_1044del, p.Phe348fs (NM_001363875.2); c.1046_1047del, p.Phe349fs (NM_001377959.1, NM_199436.2); short protein forms F348fs, F349fs, F380fs, F381fs.
Identifiers: ClinVar variation 5019071 (VCV005019071.2).
Genomic context (GRCh38, chr2:32,126,989, plus strand): 5'-TAAAGTATATATTTTTTAGTTGTTCACAGGGCTTAGAGCTCCTGCCAGAGGGCTGTTACT[CTT>C]TGGTCCACCTGGGAATGGGAAGACAATGCTGGTAAGGGTTCTCTTCAAATTTGAGTTTTC-3'